The following is an entry in ClinVar:

ClinVar aggregate classification (germline): Likely pathogenic (1 of 4 stars; one submission).

Conditions:
Neurodevelopmental disorder with or without variable brain abnormalities; NEDBA. Also called: NEURODEVELOPMENTAL DISORDER WITH OR WITHOUT VARIABLE BRAIN ABNORMALITIES. Identifiers: MedGen C5193102, MONDO:0032755, OMIM 618443.

Submission:

Laboratorio de Genetica e Diagnostico Molecular, Hospital Israelita Albert Einstein
Classification: Likely pathogenic for Neurodevelopmental disorder with or without variable brain abnormalities; NEDBA. Last evaluated: 2024-10-04. Review status: criteria provided, single submitter. Criteria: ACMG Guidelines, 2015. Collection method: clinical testing. Allele origin: germline. Affected: yes.
Comment: ACMG classification criteria: PVS1 very strong, PM2 supporting

NM_001318852.2(MAPK8IP3):c.748-2A>C

Gene: MAPK8IP3 (mitogen-activated protein kinase 8 interacting protein 3; plus strand). Cytogenetic location: 16p13.3.
Variant type: single nucleotide variant.
Coding change: c.748-2A>C on transcript NM_001318852.2 (MANE Select); the canonical splice acceptor site of the intron before coding-DNA position 748, A replaced by C.
Molecular consequence: splice acceptor variant.
Genome position (GRCh38, 1-based): chr16:1,747,027, A>C. VCF-style: chr16-1747027-A-C. GRCh37 (hg19) VCF-style: chr16-1797028-A-C.
Other names: c.745-2A>C (NM_015133.5, NM_001040439.2).
Identifiers: ClinVar variation 4056600 (VCV004056600.1).